The following is an entry in ClinVar:

ClinVar aggregate classification (germline): Pathogenic (1 of 4 stars; one submission).

Conditions:
Angelman syndrome-like. Identifiers: MedGen CN128785.
Developmental and epileptic encephalopathy, 2 (DEE2). Also called: INFANTILE SPASM SYNDROME, X-LINKED 2; CDKL5 deficiency disorder. Identifiers: Orphanet 1934, Orphanet 3451, Orphanet 505652, MedGen C4750718, MONDO:0010396, OMIM 300672.

Submission:

Labcorp Genetics (formerly Invitae), Labcorp
Classification: Pathogenic for Developmental and epileptic encephalopathy, 2; Angelman syndrome-like. Last evaluated: 2021-08-30. Review status: criteria provided, single submitter. Criteria: Invitae Variant Classification Sherloc (09022015). Collection method: clinical testing. Allele origin: germline.
Comment: This variant has not been reported in the literature in individuals affected with CDKL5-related conditions. This variant is not present in population databases (ExAC no frequency). This sequence change creates a premature translational stop signal (p.Gln791*) in the CDKL5 gene. It is expected to result in an absent or disrupted protein product. Loss-of-function variants in CDKL5 are known to be pathogenic (PMID: 22872100). For these reasons, this variant has been classified as Pathogenic.

Literature cited by the submitters: PubMed 22872100.

NM_001323289.2(CDKL5):c.2371C>T (p.Gln791Ter)

Gene: CDKL5 (cyclin dependent kinase like 5; plus strand). Cytogenetic location: Xp22.13.
Variant type: single nucleotide variant.
Coding change: c.2371C>T on transcript NM_001323289.2 (MANE Select); coding-DNA position 2371, C replaced by T.
Protein change: p.Gln791Ter; replaces glutamine 791 with a stop codon.
Molecular consequence: nonsense.
Genome position (GRCh38, 1-based): chrX:18,619,961, C>T. VCF-style: chrX-18619961-C-T. GRCh37 (hg19) VCF-style: chrX-18638081-C-T.
Other names: c.2371C>T, p.Gln791Ter (NM_001037343.2, NM_003159.3); short protein forms Q791*.
Identifiers: ClinVar variation 1361871 (VCV001361871.6), dbSNP rs1926838663, ClinGen allele CA412363970.